The following is an entry in ClinVar:

NM_001128178.3(NPHP1):c.771+59G>A

Gene: NPHP1 (nephrocystin 1; minus strand). Cytogenetic location: 2q13.
Variant type: single nucleotide variant.
Coding change: c.771+59G>A on transcript NM_001128178.3 (MANE Select); 59 bases into the intron after coding-DNA position 771, G replaced by A.
Molecular consequence: intron variant. On other transcripts: missense variant (2).
Genome position (GRCh38, 1-based): chr2:110,164,629, C>T on the plus strand (G>A on the coding strand, the complement: NPHP1 is on the minus strand). VCF-style: chr2-110164629-C-T. GRCh37 (hg19) VCF-style: chr2-110922206-C-T.
Other names: c.830G>A, p.Arg277Gln (NM_000272.5, NM_207181.4); c.585+59G>A (NM_001128179.3); c.771+59G>A (NM_001374256.1, NM_001374257.1); short protein forms R277Q.
Identifiers: ClinVar variation 198703 (VCV000198703.25), dbSNP rs143174377, ClinGen allele CA203564.

ClinVar aggregate classification (germline): Benign/Likely benign. Review status: criteria provided, multiple submitters, no conflicts (2 of 4 stars). 9 submissions from 7 submitters: Benign (1); Likely benign (7). 1 of the submissions does not count toward it. Last evaluated 2026-01-24.

Conditions:
NPHP1-related disorder. Also called: NPHP1-related condition; NPHP1-related disorders.
Nephronophthisis. Also called: Juvenile Nephronophthisis. Identifiers: Orphanet 655, MedGen C0687120, MONDO:0019005, HP:0000090.
Joubert syndrome with renal defect. Also called: JOUBERT SYNDROME 4. Identifiers: Orphanet 220497, MedGen C1846790, MONDO:0012308, OMIM 609583.
Nephronophthisis 1 (NPHP1). Also called: Nephronophthisis familial juvenile. Identifiers: Orphanet 655, Orphanet 93592, MedGen C1855681, MONDO:0009728, OMIM 256100.
Senior-Loken syndrome 1 (SLSN1). Also called: JUVENILE NEPHRONOPHTHISIS WITH LEBER AMAUROSIS. Identifiers: Orphanet 3156, MedGen C4551559, MONDO:0009962, OMIM 266900.

Allele frequency attached by ClinVar (database versions not stated): gnomAD exomes 0.00020 and 0.00047; ExAC 0.00053; gnomAD 0.00188 and 0.00203; 1000 Genomes Project 30x 0.00203; TOPMed 0.00212; 1000 Genomes Project 0.00220; ESP Exome Variant Server 0.00284.
gnomAD v4.1: 588 of 1,612,684 alleles (0.036%); highest among the groups gnomAD compares: African/African-American, 0.71%; 2 homozygotes.

Submissions (9):

Labcorp Genetics (formerly Invitae), Labcorp
Classification: Likely benign for Nephronophthisis. Last evaluated: 2026-01-24. Review status: criteria provided, single submitter. Criteria: Invitae Variant Classification Sherloc (09022015). Collection method: clinical testing. Allele origin: germline.

Blueprint Genetics
Classification: Likely benign. Last evaluated: 2024-10-08. Review status: criteria provided, single submitter. Criteria: ACMG Guidelines, 2015. Collection method: clinical testing. Allele origin: germline.

GeneDx
Classification: Likely benign. Last evaluated: 2021-07-12. Review status: criteria provided, single submitter. Criteria: GeneDx Variant Classification Process June 2021. Collection method: clinical testing. Allele origin: germline. Affected: yes.

Illumina Laboratory Services, Illumina
Classification: Likely benign for Joubert syndrome with renal defect. Last evaluated: 2018-01-12. Review status: criteria provided, single submitter. Criteria: ICSL Variant Classification Criteria 13 December 2019. Collection method: clinical testing. Allele origin: germline.
Comment: This variant was observed in the ICSL laboratory as part of a predisposition screen in an ostensibly healthy population. It had not been previously curated by ICSL or reported in the Human Gene Mutation Database (HGMD: prior to June 1st, 2018), and was therefore a candidate for classification through an automated scoring system. Utilizing variant allele frequency, disease prevalence and penetrance estimates, and inheritance mode, an automated score was calculated to assess if this variant is too frequent to cause the disease. Based on the score and internal cut-off values, a variant classified as likely benign is not then subjected to further curation. The score for this variant resulted in a classification of likely benign for this disease.

Illumina Laboratory Services, Illumina
Classification: Likely benign for Nephronophthisis 1. Last evaluated: 2018-01-12. Review status: criteria provided, single submitter. Criteria: ICSL Variant Classification Criteria 13 December 2019. Collection method: clinical testing. Allele origin: germline.
Comment: the same text as in the submission from Illumina Laboratory Services, Illumina above.

Illumina Laboratory Services, Illumina
Classification: Likely benign for Senior-Loken syndrome 1. Last evaluated: 2018-01-12. Review status: criteria provided, single submitter. Criteria: ICSL Variant Classification Criteria 13 December 2019. Collection method: clinical testing. Allele origin: germline.
Comment: the same text as in the submission from Illumina Laboratory Services, Illumina above.

Eurofins Ntd Llc (ga)
Classification: Benign. Last evaluated: 2014-09-01. Review status: criteria provided, single submitter. Criteria: EGL Classification Definitions 2015. Collection method: clinical testing. Allele origin: germline. Observed: 1 variant allele, 1 heterozygote.

Breakthrough Genomics
Classification: Likely benign. Review status: criteria provided, single submitter. Criteria: ACMG Guidelines, 2015. Collection method: not provided. Allele origin: germline. Inheritance: Autosomal recessive inheritance. Affected: yes.

PreventionGenetics, part of Exact Sciences
Classification: Likely benign for NPHP1-related condition. Last evaluated: 2019-07-18. Review status: no assertion criteria provided. Collection method: clinical testing. Allele origin: germline. Not counted in ClinVar's aggregate classification.
Comment: This variant is classified as likely benign based on ACMG/AMP sequence variant interpretation guidelines (Richards et al. 2015 PMID: 25741868, with internal and published modifications).